The following is an entry in ClinVar:

NM_000535.7(PMS2):c.95T>C (p.Val32Ala)

Gene: PMS2 (PMS1 homolog 2, mismatch repair system component; minus strand). Cytogenetic location: 7p22.1.
Variant type: single nucleotide variant.
Coding change: c.95T>C on transcript NM_000535.7 (MANE Select); coding-DNA position 95, T replaced by C.
Protein change: p.Val32Ala; replaces valine 32 with alanine.
Molecular consequence: missense variant. On other transcripts: 5 prime UTR variant (8), non-coding transcript variant (1), intron variant (3).
Genome position (GRCh38, 1-based): chr7:6,005,960, A>G on the plus strand (T>C on the coding strand, the complement: PMS2 is on the minus strand). VCF-style: chr7-6005960-A-G. GRCh37 (hg19) VCF-style: chr7-6045591-A-G.
Other names: c.-311T>C (NM_001322003.2, NM_001322005.2, NM_001018040.1 and 11 more transcripts); c.95T>C, p.Val32Ala (NM_001322006.2, NM_001322014.2, NM_001406868.1 and 10 more transcripts); c.-121T>C (NM_001322007.2, NM_001406876.1, NM_001406883.1 and 4 more transcripts); c.-790T>C (NM_001322011.2, NM_001322012.2); c.-390T>C (NM_001322015.2, NM_001406875.1, NM_001406877.1 and 2 more transcripts); c.281T>C, p.Val94Ala (NM_001406866.1); c.-337T>C (NM_001406880.1); c.-258T>C (NM_001406888.1, NM_001406889.1, NM_001406892.1 and 5 more transcripts); and 4 more; short protein forms V32A, V94A.
Identifiers: ClinVar variation 1767534 (VCV001767534.5), dbSNP rs2536587189, ClinGen allele CA366745071.
Genomic context (GRCh38, chr7:6,005,960, plus strand): 5'-GTGGCACCAGCATCCAGACTGTTTTCTACTAACTCCTTTACCGCAGTGCTTAGACTCAGT[A>G]CCACCTGCCCAGAGCAAATCTGATGGACTGACTTCCGATCAATAGGTTTGATGGCCTTAG-3'
Protein context (NP_000526.2, residues 22-42): SVHQICSGQV[Val32Ala]LSLSTAVKEL

ClinVar aggregate classification (germline): Uncertain significance. Review status: criteria provided, multiple submitters, no conflicts (2 of 4 stars). 2 submissions from 2 submitters: Uncertain significance (2). Last evaluated 2023-12-11.

Conditions:
Hereditary nonpolyposis colorectal neoplasms. Identifiers: MedGen C0009405, MeSH D003123.
Hereditary cancer-predisposing syndrome. Also called: Hereditary Cancer Syndrome; Hereditary neoplastic syndrome; Neoplastic Syndromes, Hereditary; Tumor predisposition. Identifiers: Orphanet 140162, MedGen C0027672, MeSH D009386, MONDO:0015356.

Submissions (2):

Labcorp Genetics (formerly Invitae), Labcorp
Classification: Uncertain significance for Hereditary nonpolyposis colorectal neoplasms. Last evaluated: 2023-12-11. Review status: criteria provided, single submitter. Criteria: Invitae Variant Classification Sherloc (09022015). Collection method: clinical testing. Allele origin: germline.
Comment: This sequence change replaces valine, which is neutral and non-polar, with alanine, which is neutral and non-polar, at codon 32 of the PMS2 protein (p.Val32Ala). This variant is not present in population databases (gnomAD no frequency). This variant has not been reported in the literature in individuals affected with PMS2-related conditions. ClinVar contains an entry for this variant (Variation ID: 1767534). Advanced modeling of protein sequence and biophysical properties (such as structural, functional, and spatial information, amino acid conservation, physicochemical variation, residue mobility, and thermodynamic stability) performed at Invitae indicates that this missense variant is expected to disrupt PMS2 protein function with a positive predictive value of 80%. In summary, the available evidence is currently insufficient to determine the role of this variant in disease. Therefore, it has been classified as a Variant of Uncertain Significance.

Ambry Genetics
Classification: Uncertain significance for Hereditary cancer-predisposing syndrome. Last evaluated: 2021-04-20. Review status: criteria provided, single submitter. Criteria: Ambry Variant Classification Scheme 2023. Collection method: clinical testing. Allele origin: germline.
Comment: The p.V32A variant (also known as c.95T>C), located in coding exon 2 of the PMS2 gene, results from a T to C substitution at nucleotide position 95. The valine at codon 32 is replaced by alanine, an amino acid with similar properties. This amino acid position is highly conserved in available vertebrate species. In addition, this alteration is predicted to be deleterious by in silico analysis. Since supporting evidence is limited at this time, the clinical significance of this alteration remains unclear.